The following is an entry in ClinVar:

NM_001372044.2(SHANK3):c.996-7C>G

Gene: SHANK3 (SH3 and multiple ankyrin repeat domains 3; plus strand). Cytogenetic location: 22q13.33.
Variant type: single nucleotide variant.
Coding change: c.996-7C>G on transcript NM_001372044.2 (MANE Select); 7 bases into the intron before coding-DNA position 996, C replaced by G.
Molecular consequence: intron variant.
Genome position (GRCh38, 1-based): chr22:50,679,305, C>G. VCF-style: chr22-50679305-C-G. GRCh37 (hg19) VCF-style: chr22-51117733-C-G.
Other names: NC_000022.10:g.51117733C>G; c.994-7C>G (NM_001372044.2).
Identifiers: ClinVar variation 1178229 (VCV001178229.35), dbSNP rs371172305, ClinGen allele CA10325342.

ClinVar aggregate classification (germline): Benign/Likely benign. Review status: criteria provided, multiple submitters, no conflicts (2 of 4 stars). 3 submissions from 3 submitters: Benign (1); Likely benign (2). Last evaluated 2026-01-01.

Allele frequency attached by ClinVar (database versions not stated): ESP Exome Variant Server 0.00086; gnomAD exomes 0.00088; ExAC 0.00133; 1000 Genomes Project 30x 0.00016; 1000 Genomes Project 0.00020.

Submissions (5):

CeGaT Center for Human Genetics Tuebingen
Classification: Likely benign. Last evaluated: 2026-01-01. Review status: criteria provided, single submitter. Criteria: CeGaT Center For Human Genetics Tuebingen Variant Classification Criteria Version 2. Collection method: clinical testing. Allele origin: germline. Affected: yes. Observed: 5 variant alleles.
Comment: SHANK3: BP4, BS1

Blueprint Genetics
Classification: Likely benign. Last evaluated: 2024-07-31. Review status: criteria provided, single submitter. Criteria: ACMG Guidelines, 2015. Collection method: clinical testing. Allele origin: germline.

GeneDx
Classification: Benign. Last evaluated: 2019-11-13. Review status: criteria provided, single submitter. Criteria: GeneDx Variant Classification Process June 2021. Collection method: clinical testing. Allele origin: germline. Affected: yes.

Dr. Peter K. Rogan Lab, Western University
No classification provided (evidence only). Condition: Familial cancer of breast. Review status: no classification provided. Collection method: in vitro. Allele origin: not applicable. Functional consequence: skipped exon. Not counted in ClinVar's aggregate classification.

Dr. Peter K. Rogan Lab, Western University
No classification provided (evidence only). Condition: Familial cancer of breast. Review status: no classification provided. Collection method: in vitro. Allele origin: not applicable. Functional consequence: skipped exon, retained intron. Not counted in ClinVar's aggregate classification.